The following is an entry in ClinVar:

ClinVar aggregate classification (germline): Conflicting classifications of pathogenicity. Review status: criteria provided, conflicting classifications (1 of 4 stars). 2 submissions from 2 submitters: Uncertain significance (1); Likely benign (1). Last evaluated 2025-06-03.

Conditions:
Inborn genetic diseases. Identifiers: MedGen C0950123, MeSH D030342.

Allele frequency attached by ClinVar (database versions not stated): gnomAD exomes below 0.00001 and 0.00001; gnomAD 0.00001; TOPMed 0.00002.
gnomAD v4.1: 5 of 1,613,936 alleles (0.00031%); highest among the groups gnomAD compares: Admixed American, 0.0067%; no homozygotes.

Submissions (2):

Ambry Genetics
Classification: Likely benign for Inborn genetic diseases. Last evaluated: 2025-06-03. Review status: criteria provided, single submitter. Criteria: Ambry Variant Classification Scheme 2023. Collection method: clinical testing. Allele origin: germline.

Labcorp Genetics (formerly Invitae), Labcorp
Classification: Uncertain significance. Last evaluated: 2023-09-09. Review status: criteria provided, single submitter. Criteria: Invitae Variant Classification Sherloc (09022015). Collection method: clinical testing. Allele origin: germline.
Comment: This sequence change replaces valine, which is neutral and non-polar, with isoleucine, which is neutral and non-polar, at codon 253 of the EFTUD2 protein (p.Val253Ile). This variant is present in population databases (no rsID available, gnomAD 0.003%). This variant has not been reported in the literature in individuals affected with EFTUD2-related conditions. ClinVar contains an entry for this variant (Variation ID: 1036678). Advanced modeling of protein sequence and biophysical properties (such as structural, functional, and spatial information, amino acid conservation, physicochemical variation, residue mobility, and thermodynamic stability) performed at Invitae indicates that this missense variant is expected to disrupt EFTUD2 protein function. In summary, the available evidence is currently insufficient to determine the role of this variant in disease. Therefore, it has been classified as a Variant of Uncertain Significance.

NM_004247.4(EFTUD2):c.757G>A (p.Val253Ile)

Gene: EFTUD2 (elongation factor Tu GTP binding domain containing 2; minus strand). Cytogenetic location: 17q21.31.
Variant type: single nucleotide variant.
Coding change: c.757G>A on transcript NM_004247.4 (MANE Select); coding-DNA position 757, G replaced by A.
Protein change: p.Val253Ile; replaces valine 253 with isoleucine.
Molecular consequence: missense variant.
Genome position (GRCh38, 1-based): chr17:44,876,046, C>T on the plus strand (G>A on the coding strand, the complement: EFTUD2 is on the minus strand). VCF-style: chr17-44876046-C-T. GRCh37 (hg19) VCF-style: chr17-42953414-C-T.
Other names: c.757G>A (NM_004247.3); c.652G>A, p.Val218Ile (NM_001142605.2); c.757G>A, p.Val253Ile (NM_001258353.2); c.727G>A, p.Val243Ile (NM_001258354.2); short protein forms V253I, V243I, V218I.
Identifiers: ClinVar variation 1036678 (VCV001036678.9), dbSNP rs1382402264, ClinGen allele CA399819775.